The following is an entry in ClinVar:

ClinVar aggregate classification (germline): Uncertain significance (1 of 4 stars; one submission).

Submission:

Ambry Genetics
Classification: Uncertain significance. Last evaluated: 2025-09-23. Review status: criteria provided, single submitter. Criteria: Ambry Variant Classification Scheme 2023. Collection method: clinical testing. Allele origin: germline.
Comment: The p.M1? variant (also known as c.2T>A) is located in coding exon 1 of the RAD51B gene and results from a T to A substitution at nucleotide position 2. This alters the methionine residue at the initiation codon (ATG). This amino acid position is highly conserved in available vertebrate species. Sequence variations that modify the initiation codon are expected to result in either loss of translation initiation, N-terminal truncation, or cause a shift in the mRNA reading frame. The evidence for this gene-disease relationship is limited; therefore, the clinical significance of this alteration is unclear.

NM_133510.4(RAD51B):c.2T>A (p.Met1Lys)

Gene: RAD51B (RAD51 paralog B; plus strand). Cytogenetic location: 14q24.1.
Variant type: single nucleotide variant.
Coding change: c.2T>A on transcript NM_133510.4 (MANE Select); coding-DNA position 2, T replaced by A.
Protein change: p.Met1Lys; changes the start codon (methionine 1).
Molecular consequence: missense variant, initiator codon variant. On other transcripts: 5 prime UTR variant (1).
Genome position (GRCh38, 1-based): chr14:67,823,545, T>A. VCF-style: chr14-67823545-T-A. GRCh37 (hg19) VCF-style: chr14-68290262-T-A.
Other names: c.2T>A, p.Met1Lys (NM_001321819.1, NM_001321821.2, NM_002877.6 and 6 more transcripts); c.-454T>A (NM_001321817.2); short protein forms M1K.
Identifiers: ClinVar variation 4575277 (VCV004575277.1).
Genomic context (GRCh38, chr14:67,823,545, plus strand): 5'-TTATGTTATATTCTGTTGTTTTTTTCATGGTTCTTCTTTTCTTTGCTGGATCTGGAGGCA[T>A]GGGTAGCAAGAAACTAAAACGAGTGGGTTTATCACAAGAGCTGTGTGACCGTCTGAGTAG-3'
Protein context (NP_598194.1, residues 1-11): [Met1Lys]GSKKLKRVGL